The following is an entry in ClinVar:

NM_004589.4(SCO1):c.460G>T (p.Asp154Tyr)

Gene: SCO1 (synthesis of cytochrome C oxidase 1; minus strand). Cytogenetic location: 17p13.1.
Variant type: single nucleotide variant.
Coding change: c.460G>T on transcript NM_004589.4 (MANE Select); coding-DNA position 460, G replaced by T.
Protein change: p.Asp154Tyr; replaces aspartic acid 154 with tyrosine.
Molecular consequence: missense variant.
Genome position (GRCh38, 1-based): chr17:10,692,866, C>A on the plus strand (G>T on the coding strand, the complement: SCO1 is on the minus strand). VCF-style: chr17-10692866-C-A. GRCh37 (hg19) VCF-style: chr17-10596183-C-A.
Other names: short protein forms D154Y.
Identifiers: ClinVar variation 3906758 (VCV003906758.1).
Genomic context (GRCh38, chr17:10,692,866, plus strand): 5'-GACAGACATCAGGGCAATGAGTGAAGCCAAAATAAATCAATAACCACTGACCCAAGTAGT[C>A]CTTGTCAGTTTTACGCTCCCCAGTATGAGTTGTGAGGGAAAACGGTCCCCCAAGTAAAGG-3'
Protein context (NP_004580.1, residues 144-164): THTGERKTDK[Asp154Tyr]YLGQWLLIYF

ClinVar aggregate classification (germline): Uncertain significance (1 of 4 stars; one submission).

Submission:

GeneDx
Classification: Uncertain significance. Last evaluated: 2024-12-18. Review status: criteria provided, single submitter. Criteria: GeneDx Variant Classification Process June 2021. Collection method: clinical testing. Allele origin: germline. Affected: yes.
Comment: Not observed at significant frequency in large population cohorts (gnomAD); In silico analysis supports that this missense variant has a deleterious effect on protein structure/function; Has not been previously published as pathogenic or benign to our knowledge